The following is an entry in ClinVar:

NM_025219.3(DNAJC5):c.*1106T>G

Gene: DNAJC5 (DnaJ heat shock protein family (Hsp40) member C5; plus strand). Cytogenetic location: 20q13.33.
Variant type: single nucleotide variant.
Coding change: c.*1106T>G on transcript NM_025219.3 (MANE Select); 1106 bases downstream of the stop codon, T replaced by G.
Molecular consequence: 3 prime UTR variant.
Genome position (GRCh38, 1-based): chr20:63,932,674, T>G. VCF-style: chr20-63932674-T-G. GRCh37 (hg19) VCF-style: chr20-62564027-T-G.
Identifiers: ClinVar variation 339380 (VCV000339380.7), dbSNP rs11554629, ClinGen allele CA10644402.

ClinVar aggregate classification (germline): Benign. Review status: criteria provided, multiple submitters, no conflicts (2 of 4 stars). 3 submissions from 3 submitters: Benign (3). Last evaluated 2021-05-18.

Conditions:
Ceroid lipofuscinosis, neuronal, 4 (Kufs type) (CLN4). Also called: Neuronal ceroid lipofuscinosis 4B; Ceroid lipofuscinosis, neuronal, 4, Parry type. Identifiers: Orphanet 228343, Orphanet 79262, MedGen C1834207, MONDO:0008083, OMIM 162350.

Allele frequency attached by ClinVar (database versions not stated): gnomAD exomes 0.06863; gnomAD 0.08229 and 0.08271; TOPMed 0.08427; 1000 Genomes Project 0.08806; 1000 Genomes Project 30x 0.08901.
gnomAD v4.1: 12,632 of 152,392 alleles (8.3%); highest among the groups gnomAD compares: East Asian, 13%; 564 homozygotes.

Submissions (3):

GeneDx
Classification: Benign. Last evaluated: 2021-05-18. Review status: criteria provided, single submitter. Criteria: GeneDx Variant Classification Process June 2021. Collection method: clinical testing. Allele origin: germline. Affected: yes.

Illumina Laboratory Services, Illumina
Classification: Benign for Ceroid lipofuscinosis, neuronal, 4 (Kufs type). Last evaluated: 2018-01-12. Review status: criteria provided, single submitter. Criteria: ICSL Variant Classification Criteria 13 December 2019. Collection method: clinical testing. Allele origin: germline.
Comment: This variant was observed in the ICSL laboratory as part of a predisposition screen in an ostensibly healthy population. It had not been previously curated by ICSL or reported in the Human Gene Mutation Database (HGMD: prior to June 1st, 2018), and was therefore a candidate for classification through an automated scoring system. Utilizing variant allele frequency, disease prevalence and penetrance estimates, and inheritance mode, an automated score was calculated to assess if this variant is too frequent to cause the disease. Based on the score and internal cut-off values, a variant classified as benign is not then subjected to further curation. The score for this variant resulted in a classification of benign for this disease.

Breakthrough Genomics
Classification: Benign. Review status: criteria provided, single submitter. Criteria: ACMG Guidelines, 2015. Collection method: not provided. Allele origin: germline. Inheritance: Autosomal dominant inheritance. Affected: yes.